The following is an entry in ClinVar:

NM_024426.6(WT1):c.304A>G (p.Ser102Gly)

Genes: WT1 (WT1 transcription factor; minus strand), LOC107982234 (WT1/WT1-AS bi-directional promoter region; plus strand). Cytogenetic location: 11p13.
Variant type: single nucleotide variant.
Coding change: c.304A>G on transcript NM_024426.6 (MANE Select); coding-DNA position 304, A replaced by G.
Protein change: p.Ser102Gly; replaces serine 102 with glycine.
Molecular consequence: missense variant. On other transcripts: non-coding transcript variant (1).
Genome position (GRCh38, 1-based): chr11:32,435,057, T>C on the plus strand (A>G on the coding strand, the complement: WT1 is on the minus strand). VCF-style: chr11-32435057-T-C. GRCh37 (hg19) VCF-style: chr11-32456603-T-C.
Other names: c.304A>G, p.Ser102Gly (NM_000378.6, NM_024424.5); short protein forms S102G.
Identifiers: ClinVar variation 861016 (VCV000861016.12), dbSNP rs1336319420, ClinGen allele CA379965968.

ClinVar aggregate classification (germline): Uncertain significance. Review status: criteria provided, multiple submitters, no conflicts (2 of 4 stars). 3 submissions from 3 submitters: Uncertain significance (3). Last evaluated 2025-09-18.

Conditions:
Frasier syndrome. Identifiers: Orphanet 347, MedGen C0950122, MeSH D052159, MONDO:0007635, OMIM 136680.
Drash syndrome (DDS). Also called: WILMS TUMOR AND PSEUDO- OR TRUE HERMAPHRODITISM; NEPHROPATHY, WILMS TUMOR, AND GENITAL ANOMALIES. Identifiers: Orphanet 220, MedGen C0950121, MONDO:0008682, OMIM 194080.
Wilms tumor 1 (WT1). Also called: Wilms tumor, somatic. Identifiers: Orphanet 654, MedGen CN033288, MONDO:0008679, OMIM 194070.
11p partial monosomy syndrome (WAGR). Also called: WAGR syndrome; CHROMOSOME 11p13 DELETION SYNDROME; WAGR Complex; WAGR Spectrum Disorder. Identifiers: Orphanet 893, MedGen C0206115, MONDO:0008681, OMIM 194072.
Inborn genetic diseases. Identifiers: MedGen C0950123, MeSH D030342.

Allele frequency attached by ClinVar (database versions not stated): TOPMed below 0.00001; gnomAD 0.00001.

Submissions (3):

Ambry Genetics
Classification: Uncertain significance for Inborn genetic diseases. Last evaluated: 2025-09-18. Review status: criteria provided, single submitter. Criteria: Ambry Variant Classification Scheme 2023. Collection method: clinical testing. Allele origin: germline.
Comment: The p.S97G variant (also known as c.289A>G), located in coding exon 1 of the WT1 gene, results from an A to G substitution at nucleotide position 289. The serine at codon 97 is replaced by glycine, an amino acid with similar properties. This amino acid position is conserved. In addition, this alteration is predicted to be tolerated by in silico analysis. Based on the available evidence, the clinical significance of this variant remains unclear.

GeneDx
Classification: Uncertain significance. Last evaluated: 2024-05-10. Review status: criteria provided, single submitter. Criteria: GeneDx Variant Classification Process June 2021. Collection method: clinical testing. Allele origin: germline. Affected: yes.
Comment: Not observed at significant frequency in large population cohorts (gnomAD); In silico analysis indicates that this missense variant does not alter protein structure/function; Has not been previously published as pathogenic or benign to our knowledge; This variant is associated with the following publications: (PMID: 8486616)

Labcorp Genetics (formerly Invitae), Labcorp
Classification: Uncertain significance for Wilms tumor 1; Drash syndrome; 11p partial monosomy syndrome; Frasier syndrome. Last evaluated: 2023-08-07. Review status: criteria provided, single submitter. Criteria: Invitae Variant Classification Sherloc (09022015). Collection method: clinical testing. Allele origin: germline.
Comment: This sequence change replaces serine, which is neutral and polar, with glycine, which is neutral and non-polar, at codon 97 of the WT1 protein (p.Ser97Gly). This variant is present in population databases (no rsID available, gnomAD 0.01%). This variant has not been reported in the literature in individuals affected with WT1-related conditions. ClinVar contains an entry for this variant (Variation ID: 861016). An algorithm developed to predict the effect of missense changes on protein structure and function (PolyPhen-2) suggests that this variant is likely to be tolerated. In summary, the available evidence is currently insufficient to determine the role of this variant in disease. Therefore, it has been classified as a Variant of Uncertain Significance.